The following is an entry in ClinVar:

ClinVar aggregate classification (germline): Uncertain significance. Review status: criteria provided, multiple submitters, no conflicts (2 of 4 stars). 2 submissions from 2 submitters: Uncertain significance (2). Last evaluated 2022-09-02.

Conditions:
RP1L1-related disorder. Also called: RP1L1-related condition.

Allele frequency attached by ClinVar (database versions not stated): ExAC 0.00001; gnomAD 0.00005; TOPMed 0.00012; ESP Exome Variant Server 0.00016.
gnomAD v4.1: 22 of 1,612,868 alleles (0.0014%); highest among the groups gnomAD compares: African/African-American, 0.02%; no homozygotes.

Submissions (2):

PreventionGenetics, part of Exact Sciences
Classification: Uncertain significance for RP1L1-related condition. Last evaluated: 2022-09-02. Review status: criteria provided, single submitter. Criteria: ACMG Guidelines, 2015. Collection method: clinical testing. Allele origin: germline.
Comment: The RP1L1 c.2915C>T variant is predicted to result in the amino acid substitution p.Thr972Ile. This variant has been reported in an individual with retinitis pigmentosa (Table 1, Davidson et al. 2013. PubMed ID: 23281133). This variant is reported in 0.013% of alleles in individuals of African descent in gnomAD. At this time, the clinical significance of this variant is uncertain due to the absence of conclusive functional and genetic evidence.

Blueprint Genetics
Classification: Uncertain significance. Last evaluated: 2021-09-10. Review status: criteria provided, single submitter. Criteria: ACMG Guidelines, 2015. Collection method: clinical testing. Allele origin: germline.

NM_178857.6(RP1L1):c.2915C>T (p.Thr972Ile)

Gene: RP1L1 (RP1 like 1). Cytogenetic location: 8p23.1.
Variant type: single nucleotide variant.
Coding change: c.2915C>T on transcript NM_178857.6 (MANE Select); coding-DNA position 2915, C replaced by T.
Protein change: p.Thr972Ile; replaces threonine 972 with isoleucine.
Molecular consequence: missense variant.
Genome position (GRCh38, 1-based): chr8:10,611,183, G>A on the plus strand (C>T on the coding strand, the complement: RP1L1 is on the minus strand). VCF-style: chr8-10611183-G-A. GRCh37 (hg19) VCF-style: chr8-10468693-G-A.
Other names: short protein forms T972I.
Identifiers: ClinVar variation 2629277 (VCV002629277.2), dbSNP rs374466650, ClinGen allele CA4624660.
Genomic context (GRCh38, chr8:10,611,183, plus strand): 5'-ACCTCGGGGCCTCTCAGGCCACCCCCAGCTGCACCTGTGGTCTCGTCCGCCAACTCATAT[G>A]TCATGAGTATGGGCTCTTCTGGAATGTTGTCCAGCCATTCGCGGACCACAGCCTCTGGAG-3'
Protein context (NP_849188.4, residues 962-982): DNIPEEPILM[Thr972Ile]YELADETTGA